The following is an entry in ClinVar:

NM_006642.5(SDCCAG8):c.2113-5del

Genes: AKT3 (AKT serine/threonine kinase 3; minus strand), SDCCAG8 (SHH signaling and ciliogenesis regulator SDCCAG8; plus strand). Cytogenetic location: 1q43.
Variant type: Deletion.
Coding change: c.2113-5del on transcript NM_006642.5 (MANE Select); 5 bases into the intron before coding-DNA position 2113, one base deleted (T; older notation c.2113-5delT).
Molecular consequence: intron variant. On other transcripts: frameshift variant (2), 3 prime UTR variant (2).
Genome position (GRCh38, 1-based): chr1:243,499,751, T deleted; the last of 6 consecutive T bases (chr1:243,499,746-243,499,751); deleting any one gives the same sequence. VCF-style (leftmost placement, unchanged base first): chr1-243499745-AT-A. GRCh37 (hg19) VCF-style: chr1-243663047-AT-A.
Other names: c.1395del, p.Lys465fs (NM_001206729.2, NM_181690.2); c.*5503del (NM_001370074.1, NM_005465.7); c.1819-5del (NM_001350249.2); c.1210-5del (NM_001350251.2, NM_001350246.2, NM_001350247.2); c.2209-5del (NM_001350248.2); short protein forms K465fs.
Identifiers: ClinVar variation 2086161 (VCV002086161.7), dbSNP rs749233183, ClinGen allele CA1483869.

ClinVar aggregate classification (germline): Benign/Likely benign. Review status: criteria provided, multiple submitters, no conflicts (2 of 4 stars). 3 submissions from 3 submitters: Benign (1); Likely benign (1). 1 of the submissions does not count toward it. Last evaluated 2025-05-15.

Conditions:
Senior-Loken syndrome 7 (SLSN7). Identifiers: Orphanet 3156, MedGen C3150877, MONDO:0013326, OMIM 613615.
Bardet-Biedl syndrome 16 (BBS16). Identifiers: Orphanet 110, MedGen C3889474, MONDO:0014444, OMIM 615993.
SDCCAG8-related disorder. Also called: SDCCAG8-Related Disorders; SDCCAG8-related condition.

Submissions (3):

Labcorp Genetics (formerly Invitae), Labcorp
Classification: Benign for Bardet-Biedl syndrome 16; Senior-Loken syndrome 7. Last evaluated: 2025-05-15. Review status: criteria provided, single submitter. Criteria: Invitae Variant Classification Sherloc (09022015). Collection method: clinical testing. Allele origin: germline.

Blueprint Genetics
Classification: Likely benign. Last evaluated: 2024-03-06. Review status: criteria provided, single submitter. Criteria: ACMG Guidelines, 2015. Collection method: clinical testing. Allele origin: germline.

PreventionGenetics, part of Exact Sciences
Classification: Likely benign for SDCCAG8-related condition. Last evaluated: 2021-05-13. Review status: no assertion criteria provided. Collection method: clinical testing. Allele origin: germline. Not counted in ClinVar's aggregate classification.
Comment: This variant is classified as likely benign based on ACMG/AMP sequence variant interpretation guidelines (Richards et al. 2015 PMID: 25741868, with internal and published modifications).